The following is an entry in ClinVar:

NM_000135.4(FANCA):c.1289C>T (p.Ala430Val)

Gene: FANCA (FA complementation group A; minus strand). Cytogenetic location: 16q24.3.
Variant type: single nucleotide variant.
Coding change: c.1289C>T on transcript NM_000135.4 (MANE Select); coding-DNA position 1289, C replaced by T.
Protein change: p.Ala430Val; replaces alanine 430 with valine.
Molecular consequence: missense variant.
Genome position (GRCh38, 1-based): chr16:89,791,473, G>A on the plus strand (C>T on the coding strand, the complement: FANCA is on the minus strand). VCF-style: chr16-89791473-G-A. GRCh37 (hg19) VCF-style: chr16-89857881-G-A.
Other names: c.1289C>T (LRG_495t1); c.1289C>T, p.Ala430Val (NM_001286167.3); short protein forms A430V.
Identifiers: ClinVar variation 581207 (VCV000581207.11), dbSNP rs772567344, ClinGen allele CA8252413.
Genomic context (GRCh38, chr16:89,791,473, plus strand): 5'-TCTGCATATGACAGGAACGCAGAGGGGCCCTCCAGTGCTGCCTGGCGCACAACCAGGAAC[G>A]CAGTGACCATGCTGTCCAGCTGGCAGCTCTCGAATGCCTGGGCCATCAAACGCGCCACCC-3'
Protein context (NP_000126.2, residues 420-440): ESCQLDSMVT[Ala430Val]FLVVRQAALE

ClinVar aggregate classification (germline): Uncertain significance. Review status: criteria provided, multiple submitters, no conflicts (2 of 4 stars). 3 submissions from 3 submitters: Uncertain significance (2). 1 of the submissions does not count toward it. Last evaluated 2024-05-14.

Conditions:
Fanconi anemia (FA). Also called: Fanconi's anemia. Identifiers: Orphanet 84, MedGen C0015625, MeSH D005199, MONDO:0019391.
Fanconi anemia complementation group A (FANCA). Also called: FANCA-Related Fanconi Anemia; Fanconi anemia, group A. Identifiers: Orphanet 84, MedGen C3469521, MONDO:0009215, OMIM 227650.

Allele frequency attached by ClinVar (database versions not stated): TOPMed below 0.00001; gnomAD 0.00001; gnomAD exomes 0.00001 and 0.00003; ExAC 0.00003.

Submissions (3):

Fulgent Genetics
Classification: Uncertain significance for Fanconi anemia complementation group A. Last evaluated: 2024-05-14. Review status: criteria provided, single submitter. Criteria: ACMG Guidelines, 2015. Collection method: clinical testing. Allele origin: germline.

Labcorp Genetics (formerly Invitae), Labcorp
Classification: Uncertain significance for Fanconi anemia. Last evaluated: 2022-06-09. Review status: criteria provided, single submitter. Criteria: Invitae Variant Classification Sherloc (09022015). Collection method: clinical testing. Allele origin: germline.
Comment: This sequence change replaces alanine, which is neutral and non-polar, with valine, which is neutral and non-polar, at codon 430 of the FANCA protein (p.Ala430Val). This variant is present in population databases (rs772567344, gnomAD 0.007%). This missense change has been observed in individual(s) with clinical features of FANCA-related conditions (PMID: 34573280). ClinVar contains an entry for this variant (Variation ID: 581207). Algorithms developed to predict the effect of missense changes on protein structure and function output the following: SIFT: "Tolerated"; PolyPhen-2: "Possibly Damaging"; Align-GVGD: "Class C0". The valine amino acid residue is found in multiple mammalian species, which suggests that this missense change does not adversely affect protein function. In summary, the available evidence is currently insufficient to determine the role of this variant in disease. Therefore, it has been classified as a Variant of Uncertain Significance.

Natera, Inc.
Classification: Uncertain significance for Fanconi anemia. Last evaluated: 2021-01-07. Review status: no assertion criteria provided. Collection method: clinical testing. Allele origin: germline. Not counted in ClinVar's aggregate classification.

Literature cited by the submitters: PubMed 34573280 (cited by Labcorp Genetics (formerly Invitae), Labcorp).